The following is an entry in ClinVar:

ClinVar aggregate classification (germline): Uncertain significance (1 of 4 stars; one submission).

Conditions:
Primary ciliary dyskinesia. Also called: Ciliary dyskinesia. Identifiers: Orphanet 244, MedGen C0008780, MONDO:0016575, HP:0012265.

Allele frequency attached by ClinVar (database versions not stated): gnomAD exomes below 0.00001.
gnomAD v4.1: 1 of 1,544,174 alleles (0.000065%); highest among the groups gnomAD compares: South Asian, 0.0011%; no homozygotes.

Submission:

Labcorp Genetics (formerly Invitae), Labcorp
Classification: Uncertain significance for Primary ciliary dyskinesia. Last evaluated: 2024-01-19. Review status: criteria provided, single submitter. Criteria: Invitae Variant Classification Sherloc (09022015). Collection method: clinical testing. Allele origin: germline.
Comment: This sequence change replaces valine, which is neutral and non-polar, with leucine, which is neutral and non-polar, at codon 4319 of the DNAH8 protein (p.Val4319Leu). This variant is not present in population databases (gnomAD no frequency). This variant has not been reported in the literature in individuals affected with DNAH8-related conditions. ClinVar contains an entry for this variant (Variation ID: 1006996). Advanced modeling of protein sequence and biophysical properties (such as structural, functional, and spatial information, amino acid conservation, physicochemical variation, residue mobility, and thermodynamic stability) performed at Invitae indicates that this missense variant is not expected to disrupt DNAH8 protein function with a negative predictive value of 80%. In summary, the available evidence is currently insufficient to determine the role of this variant in disease. Therefore, it has been classified as a Variant of Uncertain Significance.

NM_001206927.2(DNAH8):c.12955G>T (p.Val4319Leu)

Gene: DNAH8 (dynein axonemal heavy chain 8; plus strand). Cytogenetic location: 6p21.2.
Variant type: single nucleotide variant.
Coding change: c.12955G>T on transcript NM_001206927.2 (MANE Select); coding-DNA position 12955, G replaced by T.
Protein change: p.Val4319Leu; replaces valine 4319 with leucine.
Molecular consequence: missense variant.
Genome position (GRCh38, 1-based): chr6:38,984,209, G>T. VCF-style: chr6-38984209-G-T. GRCh37 (hg19) VCF-style: chr6-38951985-G-T.
Other names: c.12304G>T, p.Val4102Leu (NM_001371.4); short protein forms V4102L, V4319L.
Identifiers: ClinVar variation 1006996 (VCV001006996.9), dbSNP rs759963989, ClinGen allele CA364009527.
Genomic context (GRCh38, chr6:38,984,209, plus strand): 5'-GTTTATAATGATGTGTTTGGGTTGACAATTAATAATCCTTTTTTACTTTTAATAAAGGGT[G>T]TATCATGGAATACGGTTCGGTACATGATCGGAGAAGTACAATATGGAGGCAGAGTGACAG-3'
Protein context (NP_001193856.1, residues 4309-4329): HLDECDIKKG[Val4319Leu]SWNTVRYMIG